The following is an entry in ClinVar:

ClinVar aggregate classification (germline): Uncertain significance. Review status: criteria provided, multiple submitters, no conflicts (2 of 4 stars). 2 submissions from 2 submitters: Uncertain significance (2). Last evaluated 2025-11-18.

Allele frequency attached by ClinVar (database versions not stated): TOPMed 0.00002; gnomAD 0.00017; gnomAD exomes 0.00030; ExAC 0.00086; 1000 Genomes Project 0.00140; 1000 Genomes Project 30x 0.00187.

Submissions (2):

Labcorp Genetics (formerly Invitae), Labcorp
Classification: Uncertain significance. Last evaluated: 2025-11-18. Review status: criteria provided, single submitter. Criteria: Invitae Variant Classification Sherloc (09022015). Collection method: clinical testing. Allele origin: germline.
Comment: This sequence change replaces isoleucine, which is neutral and non-polar, with methionine, which is neutral and non-polar, at codon 858 of the TNS2 protein (p.Ile858Met). This variant is present in population databases (rs529213852, gnomAD 0.6%), and has an allele count higher than expected for a pathogenic variant. This missense change has been observed in individual(s) with nephrotic syndrome (PMID: 29773874). ClinVar contains an entry for this variant (Variation ID: 2690251). An algorithm developed to predict the effect of missense changes on protein structure and function (PolyPhen-2) suggests that this variant is likely to be disruptive. Experimental studies have shown that this missense change affects TNS2 function (PMID: 29773874). In summary, the available evidence is currently insufficient to determine the role of this variant in disease. Therefore, it has been classified as a Variant of Uncertain Significance.

Revvity Omics, Revvity
Classification: Uncertain significance. Last evaluated: 2023-05-12. Review status: criteria provided, single submitter. Criteria: ACMG Guidelines, 2015. Collection method: clinical testing. Allele origin: germline.

Literature cited by the submitters: PubMed 29773874 (cited by Labcorp Genetics (formerly Invitae), Labcorp).

NM_170754.4(TNS2):c.2544C>G (p.Ile848Met)

Gene: TNS2 (tensin 2; plus strand). Cytogenetic location: 12q13.13.
Variant type: single nucleotide variant.
Coding change: c.2544C>G on transcript NM_170754.4 (MANE Select); coding-DNA position 2544, C replaced by G.
Protein change: p.Ile848Met; replaces isoleucine 848 with methionine.
Molecular consequence: missense variant.
Genome position (GRCh38, 1-based): chr12:53,060,185, C>G. VCF-style: chr12-53060185-C-G. GRCh37 (hg19) VCF-style: chr12-53453969-C-G.
Other names: c.2544C>G, p.Ile848Met (NM_001416202.1); c.2502C>G, p.Ile834Met (NM_001416203.1); c.2571C>G, p.Ile857Met (NM_001416204.1); c.2475C>G, p.Ile825Met (NM_015319.3); c.2172C>G, p.Ile724Met (NM_198316.2); short protein forms I724M, I825M, I834M, I848M, I857M.
Identifiers: ClinVar variation 2690251 (VCV002690251.3), dbSNP rs529213852, ClinGen allele CA6592618.
Genomic context (GRCh38, chr12:53,060,185, plus strand): 5'-TGGCTCCATTTCCCCGGGCAGCCCGCCCTATCCACAATCTAGGAAGCTGAGCTACGAGAT[C>G]CCTACGGAGGAGGGAGGGGACAGGTACCCATTGCCTGGGCACCTGGCCTCAGCAGGACCT-3'
Protein context (NP_736610.2, residues 838-858): YPQSRKLSYE[Ile848Met]PTEEGGDRYP